The following is an entry in ClinVar:

ClinVar aggregate classification (germline): Uncertain significance (1 of 4 stars; one submission).

Conditions:
Inborn genetic diseases. Identifiers: MedGen C0950123, MeSH D030342.

Submission:

Ambry Genetics
Classification: Uncertain significance for Inborn genetic diseases. Last evaluated: 2024-11-17. Review status: criteria provided, single submitter. Criteria: Ambry Variant Classification Scheme 2023. Collection method: clinical testing. Allele origin: germline.
Comment: The p.P58A variant (also known as c.172C>G), located in coding exon 2 of the HAX1 gene, results from a C to G substitution at nucleotide position 172. The proline at codon 58 is replaced by alanine, an amino acid with highly similar properties. This amino acid position is conserved. In addition, this alteration is predicted to be tolerated by in silico analysis. Based on the available evidence, the clinical significance of this variant remains unclear.

NM_006118.4(HAX1):c.172C>G (p.Pro58Ala)

Gene: HAX1 (HCLS1 associated protein X-1; plus strand). Cytogenetic location: 1q21.3.
Variant type: single nucleotide variant.
Coding change: c.172C>G on transcript NM_006118.4 (MANE Select); coding-DNA position 172, C replaced by G.
Protein change: p.Pro58Ala; replaces proline 58 with alanine.
Molecular consequence: missense variant. On other transcripts: intron variant (1).
Genome position (GRCh38, 1-based): chr1:154,273,454, C>G. VCF-style: chr1-154273454-C-G. GRCh37 (hg19) VCF-style: chr1-154245930-C-G.
Other names: c.54-26C>G (NM_001018837.2); short protein forms P58A.
Identifiers: ClinVar variation 3524076 (VCV003524076.1).